The following is an entry in ClinVar:

ClinVar aggregate classification (germline): Uncertain significance (1 of 4 stars; one submission).

Allele frequency attached by ClinVar (database versions not stated): gnomAD exomes below 0.00001.
gnomAD v4.1: 2 of 1,613,994 alleles (0.00012%); highest among the groups gnomAD compares: Non-Finnish European, 0.00017%; no homozygotes.

Submission:

Athena Diagnostics
Classification: Uncertain significance. Last evaluated: 2023-01-13. Review status: criteria provided, single submitter. Criteria: Athena Diagnostics Criteria. Collection method: clinical testing. Allele origin: unknown.
Comment: Available data are insufficient to determine the clinical significance of the variant at this time. This variant has not been reported in large, multi-ethnic general populations. Computational tools disagree on the variant's effect on normal protein function.

NM_000370.3(TTPA):c.682A>G (p.Asn228Asp)

Gene: TTPA (alpha tocopherol transfer protein; minus strand). Cytogenetic location: 8q12.3.
Variant type: single nucleotide variant.
Coding change: c.682A>G on transcript NM_000370.3 (MANE Select); coding-DNA position 682, A replaced by G.
Protein change: p.Asn228Asp; replaces asparagine 228 with aspartic acid.
Molecular consequence: missense variant. On other transcripts: 3 prime UTR variant (1), non-coding transcript variant (3).
Genome position (GRCh38, 1-based): chr8:63,061,407, T>C on the plus strand (A>G on the coding strand, the complement: TTPA is on the minus strand). VCF-style: chr8-63061407-T-C. GRCh37 (hg19) VCF-style: chr8-63973966-T-C.
Other names: c.334A>G, p.Asn112Asp (NM_001413414.1); c.377A>G, p.Gln126Arg (NM_001413415.1); c.*584A>G (NM_001413416.1); c.223A>G, p.Asn75Asp (NM_001413417.1); c.799A>G, p.Asn267Asp (NM_001413418.1); short protein forms N112D, N228D, N267D, N75D, Q126R.
Identifiers: ClinVar variation 2684101 (VCV002684101.1), dbSNP rs2487135275, ClinGen allele CA371331965.